The following is an entry in ClinVar:

NM_173560.4(RFX6):c.1536G>C (p.Leu512Phe)

Gene: RFX6 (regulatory factor X6; plus strand). Cytogenetic location: 6q22.1.
Variant type: single nucleotide variant.
Coding change: c.1536G>C on transcript NM_173560.4 (MANE Select); coding-DNA position 1536, G replaced by C.
Protein change: p.Leu512Phe; replaces leucine 512 with phenylalanine.
Molecular consequence: missense variant.
Genome position (GRCh38, 1-based): chr6:116,923,205, G>C. VCF-style: chr6-116923205-G-C. GRCh37 (hg19) VCF-style: chr6-117244368-G-C.
Other names: short protein forms L512F.
Identifiers: ClinVar variation 1500529 (VCV001500529.6), dbSNP rs1209949319, ClinGen allele CA365434005.

ClinVar aggregate classification (germline): Uncertain significance (1 of 4 stars; one submission).

Allele frequency attached by ClinVar (database versions not stated): gnomAD exomes below 0.00001.
gnomAD v4.1: 3 of 1,537,734 alleles (0.0002%); highest among the groups gnomAD compares: Non-Finnish European, 0.00027%; no homozygotes.

Submission:

Labcorp Genetics (formerly Invitae), Labcorp
Classification: Uncertain significance. Last evaluated: 2021-12-03. Review status: criteria provided, single submitter. Criteria: Invitae Variant Classification Sherloc (09022015). Collection method: clinical testing. Allele origin: germline.
Comment: This variant is present in population databases (no rsID available, gnomAD 0.007%). In summary, the available evidence is currently insufficient to determine the role of this variant in disease. Therefore, it has been classified as a Variant of Uncertain Significance. Algorithms developed to predict the effect of missense changes on protein structure and function are either unavailable or do not agree on the potential impact of this missense change (SIFT: "Deleterious"; PolyPhen-2: "Probably Damaging"; Align-GVGD: "Class C0"). This variant has not been reported in the literature in individuals affected with RFX6-related conditions. This sequence change replaces leucine, which is neutral and non-polar, with phenylalanine, which is neutral and non-polar, at codon 512 of the RFX6 protein (p.Leu512Phe).